The following is an entry in ClinVar:

NM_004279.3(PMPCB):c.1251A>C (p.Pro417=)

Gene: PMPCB (peptidase, mitochondrial processing subunit beta; plus strand). Cytogenetic location: 7q22.1.
Variant type: single nucleotide variant.
Coding change: c.1251A>C on transcript NM_004279.3 (MANE Select); coding-DNA position 1251, A replaced by C.
Protein change: p.Pro417=; no amino-acid change (proline 417 retained).
Molecular consequence: synonymous variant.
Genome position (GRCh38, 1-based): chr7:103,311,818, A>C. VCF-style: chr7-103311818-A-C. GRCh37 (hg19) VCF-style: chr7-102952265-A-C.
Identifiers: ClinVar variation 3049016 (VCV003049016.4), dbSNP rs147728850, ClinGen allele CA4418250.
Genomic context (GRCh38, chr7:103,311,818, plus strand): 5'-ATATGGTTGATCTGTATTCCAATAGTTAATTTTTCCTTCTCTTTAAACAGGTTCAACTCC[A>C]ATTTGTGAAGATATTGGTAGGCAAATGTTATGCTATAATAGAAGGATTCCCATCCCTGAG-3'
Protein context (NP_004270.2, residues 407-427): NMLLQLDGST[Pro417=]ICEDIGRQML

ClinVar aggregate classification (germline): Likely benign. Review status: criteria provided, single submitter (1 of 4 stars). 2 submissions from 2 submitters: Likely benign (1). 1 of the submissions does not count toward it. Last evaluated 2025-09-18.

Conditions:
PMPCB-related disorder. Also called: PMPCB-related condition.

Allele frequency attached by ClinVar (database versions not stated): gnomAD 0.00016; TOPMed 0.00015; gnomAD exomes 0.00025; ESP Exome Variant Server 0.00008; ExAC 0.00007.

Submissions (2):

Labcorp Genetics (formerly Invitae), Labcorp
Classification: Likely benign. Last evaluated: 2025-09-18. Review status: criteria provided, single submitter. Criteria: Invitae Variant Classification Sherloc (09022015). Collection method: clinical testing. Allele origin: germline.

PreventionGenetics, part of Exact Sciences
Classification: Likely benign for PMPCB-related condition. Last evaluated: 2019-11-21. Review status: no assertion criteria provided. Collection method: clinical testing. Allele origin: germline. Not counted in ClinVar's aggregate classification.
Comment: This variant is classified as likely benign based on ACMG/AMP sequence variant interpretation guidelines (Richards et al. 2015 PMID: 25741868, with internal and published modifications).